The following is an entry in ClinVar:

NM_017433.5(MYO3A):c.2350A>G (p.Met784Val)

Gene: MYO3A (myosin IIIA; plus strand). Cytogenetic location: 10p12.1.
Variant type: single nucleotide variant.
Coding change: c.2350A>G on transcript NM_017433.5 (MANE Select); coding-DNA position 2350, A replaced by G.
Protein change: p.Met784Val; replaces methionine 784 with valine.
Molecular consequence: missense variant.
Genome position (GRCh38, 1-based): chr10:26,143,535, A>G. VCF-style: chr10-26143535-A-G. GRCh37 (hg19) VCF-style: chr10-26432464-A-G.
Other names: short protein forms M784V.
Identifiers: ClinVar variation 4740686 (VCV004740686.1).
Genomic context (GRCh38, chr10:26,143,535, plus strand): 5'-GCTAGAGTTATTGAATATGAGGATAACTGGCCCCTCTTAGATATGTTTCTGCAAAAGCCA[A>G]TGGGTTTACTTTCCCTACTTGATGAAGAAAGTAGATTTCCCAAGGCCACTGACCAGACTC-3'
Protein context (NP_059129.3, residues 774-794): PLLDMFLQKP[Met784Val]GLLSLLDEES

ClinVar aggregate classification (germline): Uncertain significance (1 of 4 stars; one submission).

gnomAD v4.1: 7 of 1,614,004 alleles (0.00043%); highest among the groups gnomAD compares: South Asian, 0.0022%; no homozygotes.

Submission:

Labcorp Genetics (formerly Invitae), Labcorp
Classification: Uncertain significance. Last evaluated: 2025-05-18. Review status: criteria provided, single submitter. Criteria: Invitae Variant Classification Sherloc (09022015). Collection method: clinical testing. Allele origin: germline.
Comment: This sequence change replaces methionine, which is neutral and non-polar, with valine, which is neutral and non-polar, at codon 784 of the MYO3A protein (p.Met784Val). This variant is present in population databases (no rsID available, gnomAD 0.01%). This variant has not been reported in the literature in individuals affected with MYO3A-related conditions. Invitae Evidence Modeling of protein sequence and biophysical properties (such as structural, functional, and spatial information, amino acid conservation, physicochemical variation, residue mobility, and thermodynamic stability) indicates that this missense variant is not expected to disrupt MYO3A protein function with a negative predictive value of 80%. In summary, the available evidence is currently insufficient to determine the role of this variant in disease. Therefore, it has been classified as a Variant of Uncertain Significance.